The following is an entry in ClinVar:

NM_001048174.2(MUTYH):c.1375T>C (p.Ser459Pro)

Gene: MUTYH (mutY DNA glycosylase; minus strand). Cytogenetic location: 1p34.1.
Variant type: single nucleotide variant.
Coding change: c.1375T>C on transcript NM_001048174.2 (MANE Select); coding-DNA position 1375, T replaced by C.
Protein change: p.Ser459Pro; replaces serine 459 with proline.
Molecular consequence: missense variant. On other transcripts: non-coding transcript variant (2).
Genome position (GRCh38, 1-based): chr1:45,331,199, A>G on the plus strand (T>C on the coding strand, the complement: MUTYH is on the minus strand). VCF-style: chr1-45331199-A-G. GRCh37 (hg19) VCF-style: chr1-45796871-A-G.
Other names: c.1375T>C, p.Ser459Pro (NM_001048171.2, NM_001048173.2, NM_001293195.2); c.1378T>C, p.Ser460Pro (NM_001048172.2); c.1459T>C, p.Ser487Pro (NM_001128425.2); c.1420T>C, p.Ser474Pro (NM_001293190.2); c.1408T>C, p.Ser470Pro (NM_001293191.2); c.1099T>C, p.Ser367Pro (NM_001293192.2, NM_001293196.2); c.1030T>C, p.Ser344Pro (NM_001350650.2, NM_001350651.2); c.1450T>C, p.Ser484Pro (NM_012222.3); short protein forms S344P, S367P, S459P, S460P, S470P, S474P, S484P, S487P.
Identifiers: ClinVar variation 1056986 (VCV001056986.10), dbSNP rs1570362767, ClinGen allele CA340132517.

ClinVar aggregate classification (germline): Uncertain significance. Review status: criteria provided, multiple submitters, no conflicts (2 of 4 stars). 2 submissions from 2 submitters: Uncertain significance (2). Last evaluated 2024-12-11.

Conditions:
Familial adenomatous polyposis 2. Also called: Adenomas, multiple colorectal; MUTYH Polyposis; COLORECTAL ADENOMATOUS POLYPOSIS, AUTOSOMAL RECESSIVE; ADENOMAS, MULTIPLE COLORECTAL, AUTOSOMAL RECESSIVE; FAP type 2; MUTYH-associated polyposis. Identifiers: Orphanet 220460, Orphanet 247798, MedGen C3272841, MONDO:0012041, OMIM 608456.
Hereditary cancer-predisposing syndrome. Also called: Neoplastic Syndromes, Hereditary; Hereditary Cancer Syndrome; Hereditary neoplastic syndrome; Tumor predisposition. Identifiers: Orphanet 140162, MedGen C0027672, MeSH D009386, MONDO:0015356.

Submissions (2):

Color Diagnostics, LLC DBA Color Health
Classification: Uncertain significance for Hereditary cancer-predisposing syndrome. Last evaluated: 2024-12-11. Review status: criteria provided, single submitter. Criteria: ACMG Guidelines, 2015. Collection method: clinical testing. Allele origin: germline.
Comment: This missense variant replaces serine with proline at codon 487 of the MUTYH protein. Computational prediction suggests that this variant may not impact protein structure and function. To our knowledge, functional studies have not been reported for this variant. This variant has not been reported in individuals affected with MUTYH-related disorders in the literature. This variant has not been identified in the general population by the Genome Aggregation Database (gnomAD). The available evidence is insufficient to determine the role of this variant in disease conclusively. Therefore, this variant is classified as a Variant of Uncertain Significance.

Labcorp Genetics (formerly Invitae), Labcorp
Classification: Uncertain significance for Familial adenomatous polyposis 2. Last evaluated: 2020-08-26. Review status: criteria provided, single submitter. Criteria: Invitae Variant Classification Sherloc (09022015). Collection method: clinical testing. Allele origin: germline.
Comment: In summary, the available evidence is currently insufficient to determine the role of this variant in disease. Therefore, it has been classified as a Variant of Uncertain Significance. Algorithms developed to predict the effect of missense changes on protein structure and function output the following: SIFT: "Tolerated"; PolyPhen-2: "Benign"; Align-GVGD: "Class C0". The proline amino acid residue is found in multiple mammalian species, suggesting that this missense change does not adversely affect protein function. These predictions have not been confirmed by published functional studies and their clinical significance is uncertain. This variant has not been reported in the literature in individuals with MUTYH-related conditions. This variant is not present in population databases (ExAC no frequency). This sequence change replaces serine with proline at codon 487 of the MUTYH protein (p.Ser487Pro). The serine residue is highly conserved and there is a moderate physicochemical difference between serine and proline.